The following is an entry in ClinVar:

NM_000321.3(RB1):c.*4T>C

Gene: RB1 (RB transcriptional corepressor 1; plus strand). Cytogenetic location: 13q14.2.
Variant type: single nucleotide variant.
Coding change: c.*4T>C on transcript NM_000321.3 (MANE Select); 4 bases downstream of the stop codon, T replaced by C.
Molecular consequence: 3 prime UTR variant.
Genome position (GRCh38, 1-based): chr13:48,480,075, T>C. VCF-style: chr13-48480075-T-C. GRCh37 (hg19) VCF-style: chr13-49054211-T-C.
Other names: c.*38T>C (NM_001407165.1); c.*4T>C (NM_001407168.1).
Identifiers: ClinVar variation 4875975 (VCV004875975.1).

ClinVar aggregate classification (germline): Benign (1 of 4 stars; one submission).

Conditions:
Retinoblastoma (RB1). Also called: RETINOBLASTOMA, SOMATIC. Identifiers: Orphanet 790, MedGen C0035335, MeSH D012175, MONDO:0008380, OMIM 180200, HP:0009919. Disease mechanism: loss of function. Inheritance: Both sporadic and heritable forms are tested..

Submission:

Myriad Genetics, Inc.
Classification: Benign for Retinoblastoma. Last evaluated: 2026-06-25. Review status: criteria provided, single submitter. Criteria: Myriad Autosomal Dominant, Autosomal Recessive and X-Linked Classification Criteria (2023). Collection method: clinical testing. Allele origin: unknown.
Comment: This variant is considered benign. This variant occurs in the non-coding 3' untranslated region of the gene, and is not expected to impact protein function.